The following is an entry in ClinVar:

ClinVar aggregate classification (germline): Pathogenic (1 of 4 stars; one submission).

Submission:

Labcorp Genetics (formerly Invitae), Labcorp
Classification: Pathogenic. Last evaluated: 2019-07-12. Review status: criteria provided, single submitter. Criteria: Invitae Variant Classification Sherloc (09022015). Collection method: clinical testing. Allele origin: germline.
Comment: For these reasons, this variant has been classified as Pathogenic. Nucleotide substitutions within the consensus splice site are a relatively common cause of aberrant splicing (PMID: 17576681, 9536098). Algorithms developed to predict the effect of sequence changes on RNA splicing suggest that this variant may disrupt the consensus splice site, but this prediction has not been confirmed by published transcriptional studies. Disruption of this splice site has been observed in several individuals affected with hypophosphatemia (PMID: 19219621, 30682568, Invitae). This variant is not present in population databases (ExAC no frequency). This sequence change affects an acceptor splice site in the last intron (intron 21) of the PHEX gene. While this is not anticipated to result in nonsense mediated decay, it likely alters RNA splicing and results in a disrupted protein product.

Literature cited by the submitters: PubMed 17576681; PubMed 9536098; PubMed 19219621; PubMed 30682568.

NM_000444.6(PHEX):c.2148-1G>C

Genes: PHEX (phosphate regulating endopeptidase X-linked; plus strand), PTCHD1-AS (PTCHD1 and PHEX antisense RNA; minus strand). Cytogenetic location: Xp22.11.
Variant type: single nucleotide variant.
Coding change: c.2148-1G>C on transcript NM_000444.6 (MANE Select); the canonical splice acceptor site of the intron before coding-DNA position 2148, G replaced by C.
Molecular consequence: splice acceptor variant.
Genome position (GRCh38, 1-based): chrX:22,247,850, G>C. VCF-style: chrX-22247850-G-C. GRCh37 (hg19) VCF-style: chrX-22265967-G-C.
Other names: c.2071-1G>C (NM_001282754.2).
Identifiers: ClinVar variation 950225 (VCV000950225.10), dbSNP rs1936436171, ClinGen allele CA412575342.
Genomic context (GRCh38, chrX:22,247,850, plus strand): 5'-ATACAGAACCTGTTGATGTGCAAGAATTATATGACATATGCTTTGACATATCGTTTTTCA[G>C]GGTCAATGGTGCAATTAGTAACTTTGAAGAATTCCAGAAAGCTTTTAACTGTCCACCCAA-3'